The following is an entry in ClinVar:

NM_001387430.1(SH2B1):c.1391C>G (p.Ser464Trp)

Gene: SH2B1 (SH2B adaptor protein 1; plus strand). Cytogenetic location: 16p11.2.
Variant type: single nucleotide variant.
Coding change: c.1391C>G on transcript NM_001387430.1 (MANE Select); coding-DNA position 1391, C replaced by G.
Protein change: p.Ser464Trp; replaces serine 464 with tryptophan.
Molecular consequence: missense variant.
Genome position (GRCh38, 1-based): chr16:28,871,861, C>G. VCF-style: chr16-28871861-C-G. GRCh37 (hg19) VCF-style: chr16-28883182-C-G.
Other names: c.1391C>G, p.Ser464Trp (NM_001145795.2, NM_001145796.2, NM_001145797.2 and 4 more transcripts); c.383C>G, p.Ser128Trp (NM_001308294.2); short protein forms S128W, S464W.
Identifiers: ClinVar variation 3354772 (VCV003354772.1).

ClinVar aggregate classification (germline): Uncertain significance (0 of 4 stars; one submission).

Conditions:
SH2B1-related disorder. Also called: SH2B1-related condition.

gnomAD v4.1: 46 of 1,611,442 alleles (0.0029%); highest among the groups gnomAD compares: Non-Finnish European, 0.0039%; no homozygotes.

Submission:

PreventionGenetics, part of Exact Sciences
Classification: Uncertain significance for SH2B1-related condition. Last evaluated: 2024-05-22. Review status: no assertion criteria provided. Collection method: clinical testing. Allele origin: germline.
Comment: The SH2B1 c.1391C>G variant is predicted to result in the amino acid substitution p.Ser464Trp. To our knowledge, this variant has not been reported in the literature. This variant is reported in 0.0018% of alleles in individuals of European (Non-Finnish) descent in gnomAD. At this time, the clinical significance of this variant is uncertain due to the absence of conclusive functional and genetic evidence.